The following is an entry in ClinVar:

NM_001330260.2(SCN8A):c.3651C>T (p.Phe1217=)

Gene: SCN8A (sodium voltage-gated channel alpha subunit 8; plus strand). Cytogenetic location: 12q13.13.
Variant type: single nucleotide variant.
Coding change: c.3651C>T on transcript NM_001330260.2 (MANE Select); coding-DNA position 3651, C replaced by T.
Protein change: p.Phe1217=; no amino-acid change (phenylalanine 1217 retained).
Molecular consequence: synonymous variant.
Genome position (GRCh38, 1-based): chr12:51,774,194, C>T. VCF-style: chr12-51774194-C-T. GRCh37 (hg19) VCF-style: chr12-52167978-C-T.
Other names: c.3651C>T, p.Phe1217= (NM_001177984.3, NM_001369788.1, NM_014191.4).
Identifiers: ClinVar variation 2643002 (VCV002643002.26), dbSNP rs748846878, ClinGen allele CA6571660.
Genomic context (GRCh38, chr12:51,774,194, plus strand): 5'-CTGTGGCCTGCTTGCCTTTAGGCACTGTCATAGGCAGCTGCTGCCTCTCTTTTAGGCCTT[C>T]GAGGACATCTACATTGAGCAGAGAAAGACCATCCGCACCATCCTGGAATATGCTGACAAA-3'
Protein context (NP_001317189.1, residues 1207-1227): MILLSSGALA[Phe1217=]EDIYIEQRKT

ClinVar aggregate classification (germline): Likely benign. Review status: criteria provided, multiple submitters, no conflicts (2 of 4 stars). 2 submissions from 2 submitters: Likely benign (2). Last evaluated 2024-06-07.

Conditions:
Early-infantile DEE. Also called: Early infantile epileptic encephalopathy; Ohtahara syndrome; Early infantile epileptic encephalopathy with suppression bursts. Identifiers: Orphanet 1934, MedGen C0393706, MONDO:0800491.

Allele frequency attached by ClinVar (database versions not stated): gnomAD exomes below 0.00001; ExAC 0.00001.
gnomAD v4.1: 6 of 1,613,284 alleles (0.00037%); highest among the groups gnomAD compares: East Asian, 0.0022%; no homozygotes.

Submissions (2):

Labcorp Genetics (formerly Invitae), Labcorp
Classification: Likely benign for Early-infantile DEE. Last evaluated: 2024-06-07. Review status: criteria provided, single submitter. Criteria: Invitae Variant Classification Sherloc (09022015). Collection method: clinical testing. Allele origin: germline.

CeGaT Center for Human Genetics Tuebingen
Classification: Likely benign. Last evaluated: 2022-08-01. Review status: criteria provided, single submitter. Criteria: CeGaT Center For Human Genetics Tuebingen Variant Classification Criteria Version 2. Collection method: clinical testing. Allele origin: germline. Affected: yes. Observed: 1 variant allele.
Comment: SCN8A: BP4, BP7